The following is an entry in ClinVar:

ClinVar aggregate classification (germline): Uncertain significance (1 of 4 stars; one submission).

Submission:

Labcorp Genetics (formerly Invitae), Labcorp
Classification: Uncertain significance. Last evaluated: 2022-07-19. Review status: criteria provided, single submitter. Criteria: Invitae Variant Classification Sherloc (09022015). Collection method: clinical testing. Allele origin: germline.
Comment: In summary, the available evidence is currently insufficient to determine the role of this variant in disease. Therefore, it has been classified as a Variant of Uncertain Significance. Experimental studies and prediction algorithms are not available or were not evaluated, and the functional significance of this variant is currently unknown. This variant has not been reported in the literature in individuals affected with LOXL3-related conditions. This variant is not present in population databases (gnomAD no frequency). This sequence change creates a premature translational stop signal (p.Ser198*) in the LOXL3 gene. It is expected to result in an absent or disrupted protein product. However, the current clinical and genetic evidence is not sufficient to establish whether loss-of-function variants in LOXL3 cause disease.

NM_032603.5(LOXL3):c.593C>A (p.Ser198Ter)

Genes: DOK1 (docking protein 1; plus strand), LOXL3 (lysyl oxidase like 3; minus strand). Cytogenetic location: 2p13.1.
Variant type: single nucleotide variant.
Coding change: c.593C>A on transcript NM_032603.5 (MANE Select); coding-DNA position 593, C replaced by A.
Protein change: p.Ser198Ter; replaces serine 198 with a stop codon.
Molecular consequence: nonsense. On other transcripts: 5 prime UTR variant (1), intron variant (2).
Genome position (GRCh38, 1-based): chr2:74,549,468, G>T on the plus strand (C>A on the coding strand, the complement: LOXL3 is on the minus strand). VCF-style: chr2-74549468-G-T. GRCh37 (hg19) VCF-style: chr2-74776595-G-T.
Other names: c.-271C>A (NM_001289165.2); c.477+717C>A (NM_001289164.3); c.-358+296G>T (NM_001197260.2); short protein forms S198*.
Identifiers: ClinVar variation 1963746 (VCV001963746.5), dbSNP rs1236265183, ClinGen allele CA347394815.
Genomic context (GRCh38, chr2:74,549,468, plus strand): 5'-CCCAGCATCCCGCAGACCACGTGGCTGTTGTGGGCGCTCCAGCCTTTGTCGCACACTTGC[G>T]ACCAGCCGTCAGGAAGCCTGACTTCCACCAGCCCCTCCGTCACGGGCAGGGGTCGTCTGC-3'